The following is an entry in ClinVar:

ClinVar aggregate classification (germline): Benign (1 of 4 stars; one submission).

Allele frequency attached by ClinVar (database versions not stated): gnomAD exomes 0.00011; ExAC 0.00033; 1000 Genomes Project 30x 0.00094; gnomAD 0.00100; ESP Exome Variant Server 0.00108; TOPMed 0.00117; 1000 Genomes Project 0.00120.
gnomAD v4.1: 325 of 1,613,666 alleles (0.02%); highest among the groups gnomAD compares: African/African-American, 0.36%; 1 homozygote.

Submission:

Women's Health and Genetics/Laboratory Corporation of America, LabCorp
Classification: Benign. Last evaluated: 2023-08-23. Review status: criteria provided, single submitter. Criteria: LabCorp Variant Classification Summary - May 2015. Collection method: clinical testing. Allele origin: germline.
Comment: Variant summary: HRG c.392-3C>T alters a conserved nucleotide located close to a canonical splice site and therefore could affect mRNA splicing, leading to a significantly altered protein sequence. Consensus agreement among computation tools predict no significant impact on normal splicing. However, these predictions have yet to be confirmed by functional studies. The variant allele was found at a frequency of 0.00095 in 152178 control chromosomes, predominantly at a frequency of 0.0033 within the African or African-American subpopulation in the gnomAD database, including 1 homozygote. To our knowledge, no occurrence of c.392-3C>T in individuals affected with Hereditary Thrombophilia Due To Congenital Histidine-Rich (poly-L) Glycoprotein Deficiency and no experimental evidence demonstrating its impact on protein function have been reported. No submitters have cited clinical-significance assessments for this variant to ClinVar after 2014. Based on the evidence outlined above, the variant was classified as benign.

NM_000412.5(HRG):c.392-3C>T

Gene: HRG (histidine rich glycoprotein; plus strand). Cytogenetic location: 3q27.3.
Variant type: single nucleotide variant.
Coding change: c.392-3C>T on transcript NM_000412.5 (MANE Select); 3 bases into the intron before coding-DNA position 392, C replaced by T.
Molecular consequence: intron variant.
Genome position (GRCh38, 1-based): chr3:186,671,620, C>T. VCF-style: chr3-186671620-C-T. GRCh37 (hg19) VCF-style: chr3-186389409-C-T.
Identifiers: ClinVar variation 2581309 (VCV002581309.1), dbSNP rs146676859, ClinGen allele CA2745649.